The following is an entry in ClinVar:

ClinVar aggregate classification (germline): Uncertain significance. Review status: criteria provided, multiple submitters, no conflicts (2 of 4 stars). 2 submissions from 2 submitters: Uncertain significance (2). Last evaluated 2025-11-28.

Conditions:
Developmental and epileptic encephalopathy 94 (DEE94). Also called: CHD2-Related Neurodevelopmental Disorders; Epileptic encephalopathy, childhood-onset. Identifiers: Orphanet 1942, Orphanet 2382, MedGen C3809278, MONDO:0014150, OMIM 615369.

Allele frequency attached by ClinVar (database versions not stated): TOPMed 0.00002.
gnomAD v4.1: 1 of 1,614,062 alleles (0.000062%); highest among the groups gnomAD compares: African/African-American, 0.0013%; no homozygotes.

Submissions (2):

Dasa
Classification: Uncertain significance. Last evaluated: 2025-11-28. Review status: criteria provided, single submitter. Criteria: DASA Assertion Criteria. Collection method: clinical testing. Allele origin: germline.
Comment: NM_001271.4(CHD2):c.5304T>A (p.Asp1768Glu) is a missense variant that results in the substitution of aspartic acid with glutamic acid. This variant is rare in population databases. The currently available literature and clinical evidence are not sufficient to establish a definitive association between this variant and the reported condition. Therefore, this variant is classified as a variant of uncertain significance.

Labcorp Genetics (formerly Invitae), Labcorp
Classification: Uncertain significance for Developmental and epileptic encephalopathy 94. Last evaluated: 2025-10-23. Review status: criteria provided, single submitter. Criteria: Invitae Variant Classification Sherloc (09022015). Collection method: clinical testing. Allele origin: germline.
Comment: This sequence change replaces aspartic acid, which is acidic and polar, with glutamic acid, which is acidic and polar, at codon 1768 of the CHD2 protein (p.Asp1768Glu). This variant is present in population databases (no rsID available, gnomAD 0.01%). This variant has not been reported in the literature in individuals affected with CHD2-related conditions. ClinVar contains an entry for this variant (Variation ID: 1477579). Invitae Evidence Modeling of protein sequence and biophysical properties (such as structural, functional, and spatial information, amino acid conservation, physicochemical variation, residue mobility, and thermodynamic stability) indicates that this missense variant is not expected to disrupt CHD2 protein function with a negative predictive value of 95%. In summary, the available evidence is currently insufficient to determine the role of this variant in disease. Therefore, it has been classified as a Variant of Uncertain Significance.

NM_001271.4(CHD2):c.5304T>A (p.Asp1768Glu)

Gene: CHD2 (chromodomain helicase DNA binding protein 2; plus strand). Cytogenetic location: 15q26.1.
Variant type: single nucleotide variant.
Coding change: c.5304T>A on transcript NM_001271.4 (MANE Select); coding-DNA position 5304, T replaced by A.
Protein change: p.Asp1768Glu; replaces aspartic acid 1768 with glutamic acid.
Molecular consequence: missense variant.
Genome position (GRCh38, 1-based): chr15:93,024,522, T>A. VCF-style: chr15-93024522-T-A. GRCh37 (hg19) VCF-style: chr15-93567752-T-A.
Other names: short protein forms D1768E.
Identifiers: ClinVar variation 1477579 (VCV001477579.10), dbSNP rs1006801815, ClinGen allele CA274889624.